The following is an entry in ClinVar:

ClinVar aggregate classification (germline): Benign (1 of 4 stars; one submission).

Allele frequency attached by ClinVar (database versions not stated): gnomAD 0.23713 and 0.24473; TOPMed 0.24729; 1000 Genomes Project 30x 0.28732; 1000 Genomes Project 0.29073.
gnomAD v4.1: 204,492 of 727,106 alleles (28%); highest among the groups gnomAD compares: East Asian, 45%; 31,134 homozygotes.

Submission:

GeneDx
Classification: Benign. Last evaluated: 2018-06-19. Review status: criteria provided, single submitter. Criteria: GeneDx Variant Classification (06012015). Collection method: clinical testing. Allele origin: germline. Affected: yes.
Comment: This variant is considered likely benign or benign based on one or more of the following criteria: it is a conservative change, it occurs at a poorly conserved position in the protein, it is predicted to be benign by multiple in silico algorithms, and/or has population frequency not consistent with disease.

NM_006420.3(ARFGEF2):c.1060-152A>G

Gene: ARFGEF2 (ARF guanine nucleotide exchange factor 2; plus strand). Cytogenetic location: 20q13.13.
Variant type: single nucleotide variant.
Coding change: c.1060-152A>G on transcript NM_006420.3 (MANE Select); 152 bases into the intron before coding-DNA position 1060, A replaced by G.
Molecular consequence: intron variant.
Genome position (GRCh38, 1-based): chr20:48,968,995, A>G. VCF-style: chr20-48968995-A-G. GRCh37 (hg19) VCF-style: chr20-47585532-A-G.
Identifiers: ClinVar variation 674154 (VCV000674154.1), dbSNP rs3764684, ClinGen allele CA14843767.
Genomic context (GRCh38, chr20:48,968,995, plus strand): 5'-GATAAGAGTTAGCTTTTGTTTTGTCCTCTCCCTTTTTATTTTTTGAGATACGGTCTCACT[A>G]TGTTCCCCAGATTGGAGTGCAATGGTGCCATCATGGCTTACTGCAGCCTTGACCTCCTCG-3'